The following is an entry in ClinVar:

ClinVar aggregate classification (germline): Pathogenic/Likely pathogenic. Review status: criteria provided, multiple submitters, no conflicts (2 of 4 stars). 5 submissions from 5 submitters: Pathogenic (3); Likely pathogenic (1). 1 of the submissions does not count toward it. Last evaluated 2026-02-23.

Conditions:
Retinitis pigmentosa 26 (RP26). Identifiers: Orphanet 791, MedGen C1842127, MONDO:0012024, OMIM 608380.
Stargardt disease (FFM). Also called: Fundus flavimaculatus; Stargardt's disease. Identifiers: Orphanet 827, MedGen C0271093, MONDO:0019353.
CERKL-related disorders.
Retinitis pigmentosa (RP). Identifiers: Orphanet 791, MedGen C0035334, MeSH D012174, MONDO:0019200, OMIM 268000. Inheritance: Autosomal dominant, autosomal recessive and X linked inheritance.

Allele frequency attached by ClinVar (database versions not stated): gnomAD exomes below 0.00001; gnomAD 0.00001.
gnomAD v4.1: 7 of 1,613,276 alleles (0.00043%); highest among the groups gnomAD compares: Admixed American, 0.0033%; no homozygotes.

Submissions (5):

Women's Health and Genetics/Laboratory Corporation of America, LabCorp
Classification: Pathogenic for Retinitis pigmentosa. Last evaluated: 2026-02-23. Review status: criteria provided, single submitter. Criteria: LabCorp Variant Classification Summary - May 2015. Collection method: clinical testing. Allele origin: germline.
Comment: Variant summary: CERKL c.756-1G>A is located in a canonical splice-site and is predicted to affect mRNA splicing resulting in a significantly altered protein due to either exon skipping, shortening, or inclusion of intronic material. Variants that disrupt the consensus splice site are a relatively common cause of aberrant splicing and loss of CERKL function. Several computational tools predict a significant impact on normal splicing: Four predict the variant abolishesthe canonical 3' acceptor site. However, these predictions have yet to be confirmed by functional studies. The variant allele was found at a frequency of 1.2e-05 in 248706 control chromosomes. c.756-1G>A has been observed in individual(s) affected with Retinitis Pigmentosa (internal data). To our knowledge, no experimental evidence demonstrating an impact on protein function has been reported. A different splice variant affecting the canonical splice accepto site (c.756-1G>T) has been classified as Likely Pathogenic. ClinVar contains an entry for this variant (Variation ID: 967359). Based on the evidence outlined above, the variant was classified as pathogenic.

Labcorp Genetics (formerly Invitae), Labcorp
Classification: Pathogenic. Last evaluated: 2025-04-22. Review status: criteria provided, single submitter. Criteria: Invitae Variant Classification Sherloc (09022015). Collection method: clinical testing. Allele origin: germline.
Comment: This sequence change affects an acceptor splice site in intron 5 of the CERKL gene. It is expected to disrupt RNA splicing. Variants that disrupt the donor or acceptor splice site typically lead to a loss of protein function (PMID: 16199547), and loss-of-function variants in CERKL are known to be pathogenic (PMID: 14681825, 23591405, 24043777). This variant is present in population databases (no rsID available, gnomAD 0.003%). Disruption of this splice site has been observed in individual(s) with clinical features of CERKL-related retinal dystrophy (internal data). In at least one individual the data is consistent with being in trans (on the opposite chromosome) from a pathogenic variant. ClinVar contains an entry for this variant (Variation ID: 967359). Algorithms developed to predict the effect of sequence changes on RNA splicing suggest that this variant may disrupt the consensus splice site. For these reasons, this variant has been classified as Pathogenic.

Natera, Inc.
Classification: Likely pathogenic for Retinitis Pigmentosa 26. Last evaluated: 2024-09-04. Review status: criteria provided, single submitter. Criteria: Natera Variant Classification Schema (03/2026). Collection method: clinical testing. Allele origin: germline.
Comment: The c.756-1G>A variant in CERKL is a canonical splice acceptor site variant predicted to affect pre-mRNA splicing, which may result in an abnormal transcript and altered protein product. This variant is expected to result in nonsense mediated decay, truncation, or a dysfunctional protein product. This variant is rare in the general population with a frequency below the threshold expected for the associated phenotype(s). Given the available evidence, this variant is classified as Likely Pathogenic.

Blueprint Genetics
Classification: Pathogenic for CERKL-related disorders. Last evaluated: 2021-09-15. Review status: criteria provided, single submitter. Criteria: ACMG Guidelines, 2015. Collection method: clinical testing. Allele origin: germline. Affected: yes. Observed: 1 variant allele.

Ophthalmo-Genetics Lab, Instituto de Oftalmologia Conde de Valenciana
Classification: Pathogenic for Stargardt disease. Last evaluated: 2022-12-13. Review status: no assertion criteria provided. Collection method: research. Allele origin: biparental. Inheritance: Autosomal recessive inheritance. Affected: yes. Observed: 1 homozygote. Not counted in ClinVar's aggregate classification.

Literature cited by the submitters: PubMed 16199547 (cited by Labcorp Genetics (formerly Invitae), Labcorp); PubMed 14681825 (cited by Labcorp Genetics (formerly Invitae), Labcorp); PubMed 23591405 (cited by Labcorp Genetics (formerly Invitae), Labcorp); PubMed 24043777 (cited by Labcorp Genetics (formerly Invitae), Labcorp); PubMed 27813578 (cited by Ophthalmo-Genetics Lab, Instituto de Oftalmologia Conde de Valenciana).

NM_201548.5(CERKL):c.678-1G>A

Gene: CERKL (CERK like autophagy regulator; minus strand). Cytogenetic location: 2q31.3.
Variant type: single nucleotide variant.
Coding change: c.678-1G>A on transcript NM_201548.5 (MANE Select); the canonical splice acceptor site of the intron before coding-DNA position 678, G replaced by A.
Molecular consequence: splice acceptor variant. On other transcripts: intron variant (2).
Genome position (GRCh38, 1-based): chr2:181,558,709, C>T on the plus strand (G>A on the coding strand, the complement: CERKL is on the minus strand). VCF-style: chr2-181558709-C-T. GRCh37 (hg19) VCF-style: chr2-182423436-C-T.
Other names: c.482-9001G>A (NM_001030312.3); c.624-1G>A (NM_001160277.2); c.614-9001G>A (NM_001030313.3); c.756-1G>A (NM_001030311.3).
Identifiers: ClinVar variation 967359 (VCV000967359.15), dbSNP rs1209393896, ClinGen allele CA349741159.
Genomic context (GRCh38, chr2:181,558,709, plus strand): 5'-CTCAGAAGCAAAGCATGGGCTACTTCGCTAGCAGATCCATCTCCACCAACACAGACAACA[C>T]TAGAAAAATACAAATCAAGCAAAGAAGGCAAAACTTCAGAATGATTGGTAATAAGTCATG-3'